The following is an entry in ClinVar:

ClinVar aggregate classification (germline): Uncertain significance (1 of 4 stars; one submission).

Submission:

Ambry Genetics
Classification: Uncertain significance. Last evaluated: 2023-11-03. Review status: criteria provided, single submitter. Criteria: Ambry Variant Classification Scheme 2023. Collection method: clinical testing. Allele origin: germline.
Comment: The p.P1374S variant (also known as c.4120C>T), located in coding exon 16 of the POLQ gene, results from a C to T substitution at nucleotide position 4120. The proline at codon 1374 is replaced by serine, an amino acid with similar properties. This amino acid position is conserved. In addition, this alteration is predicted to be tolerated by in silico analysis. Since supporting evidence is limited at this time, the clinical significance of this alteration remains unclear.

NM_199420.4(POLQ):c.4120C>T (p.Pro1374Ser)

Gene: POLQ (DNA polymerase theta; minus strand). Cytogenetic location: 3q13.33.
Variant type: single nucleotide variant.
Coding change: c.4120C>T on transcript NM_199420.4 (MANE Select); coding-DNA position 4120, C replaced by T.
Protein change: p.Pro1374Ser; replaces proline 1374 with serine.
Molecular consequence: missense variant.
Genome position (GRCh38, 1-based): chr3:121,488,811, G>A on the plus strand (C>T on the coding strand, the complement: POLQ is on the minus strand). VCF-style: chr3-121488811-G-A. GRCh37 (hg19) VCF-style: chr3-121207658-G-A.
Other names: short protein forms P1374S.
Identifiers: ClinVar variation 3229982 (VCV003229982.1), dbSNP rs896320412, ClinGen allele CA354096084.